The following is an entry in ClinVar:

ClinVar aggregate classification (germline): Pathogenic (1 of 4 stars; one submission).

Conditions:
Inborn genetic diseases. Identifiers: MedGen C0950123, MeSH D030342.

Submission:

Ambry Genetics
Classification: Pathogenic for Inborn genetic diseases. Last evaluated: 2024-08-07. Review status: criteria provided, single submitter. Criteria: Ambry Variant Classification Scheme 2023. Collection method: clinical testing. Allele origin: germline.
Comment: The c.3254_3255delAT (p.Y1085Cfs*4) alteration, located in exon 17 (coding exon 16) of the SCN2A gene, consists of a deletion of 2 nucleotides from position 3254 to 3255, causing a translational frameshift with a predicted alternate stop codon after 4 amino acids. This alteration is expected to result in loss of function by premature protein truncation or nonsense-mediated mRNA decay. for SCN2A-related neurodevelopmental disorder; however, its clinical significance for SCN2A-related developmental and epileptic encephalopathy and SCN2A-related benign familial infantile seizures is uncertain. This variant was not reported in population-based cohorts in the Genome Aggregation Database (gnomAD). Based on the available evidence, this alteration is classified as pathogenic.

NM_001040142.2(SCN2A):c.3254_3255del (p.Tyr1085fs)

Gene: SCN2A (sodium voltage-gated channel alpha subunit 2; plus strand). Cytogenetic location: 2q24.3.
Variant type: Microsatellite.
Coding change: c.3254_3255del on transcript NM_001040142.2 (MANE Select); coding-DNA positions 3254 to 3255, 2 bases deleted (AT; older notation c.3254_3255delAT).
Protein change: p.Tyr1085fs; shifts the reading frame from tyrosine 1085.
Molecular consequence: frameshift variant.
Genome position (GRCh38, 1-based): chr2:165,354,526-165,354,527, AT deleted; deleting any 2 consecutive bases within chr2:165,354,524-165,354,527 gives the same sequence; the c. name uses the placement nearest the transcript's 3' end. VCF-style (leftmost placement, unchanged base first): chr2-165354523-AAT-A. GRCh37 (hg19) VCF-style: chr2-166211033-AAT-A.
Other names: c.3254_3255del, p.Tyr1085fs (NM_001040143.2, NM_001371246.1, NM_001371247.1 and 1 more transcripts); short protein forms Y1085fs.
Identifiers: ClinVar variation 3438204 (VCV003438204.1).